The following is an entry in ClinVar:

ClinVar aggregate classification (germline): Likely benign. Review status: criteria provided, multiple submitters, no conflicts (2 of 4 stars). 2 submissions from 2 submitters: Likely benign (2). Last evaluated 2019-10-13.

Conditions:
Developmental and epileptic encephalopathy, 2 (DEE2). Also called: INFANTILE SPASM SYNDROME, X-LINKED 2; CDKL5 deficiency disorder. Identifiers: Orphanet 1934, Orphanet 3451, Orphanet 505652, MedGen C4750718, MONDO:0010396, OMIM 300672.
Angelman syndrome-like. Identifiers: MedGen CN128785.

Allele frequency attached by ClinVar (database versions not stated): gnomAD exomes below 0.00001; gnomAD 0.00001; TOPMed 0.00003.
gnomAD v4.1: 3 of 1,157,948 alleles (0.00026%); highest among the groups gnomAD compares: East Asian, 0.009%; no homozygotes.

Submissions (2):

Labcorp Genetics (formerly Invitae), Labcorp
Classification: Likely benign for Developmental and epileptic encephalopathy, 2; Angelman syndrome-like. Last evaluated: 2019-10-13. Review status: criteria provided, single submitter. Criteria: Invitae Variant Classification Sherloc (09022015). Collection method: clinical testing. Allele origin: germline.

GeneDx
Classification: Likely benign. Last evaluated: 2017-03-27. Review status: criteria provided, single submitter. Criteria: GeneDx Variant Classification (06012015). Collection method: clinical testing. Allele origin: germline. Affected: yes.
Comment: This variant is considered likely benign or benign based on one or more of the following criteria: it is a conservative change, it occurs at a poorly conserved position in the protein, it is predicted to be benign by multiple in silico algorithms, and/or has population frequency not consistent with disease.

NM_001323289.2(CDKL5):c.404-9A>G

Gene: CDKL5 (cyclin dependent kinase like 5; plus strand). Cytogenetic location: Xp22.13.
Variant type: single nucleotide variant.
Coding change: c.404-9A>G on transcript NM_001323289.2 (MANE Select); 9 bases into the intron before coding-DNA position 404, A replaced by G.
Molecular consequence: intron variant.
Genome position (GRCh38, 1-based): chrX:18,581,882, A>G. VCF-style: chrX-18581882-A-G. GRCh37 (hg19) VCF-style: chrX-18600002-A-G.
Other names: c.404-9A>G (NM_003159.3, NM_001037343.2).
Identifiers: ClinVar variation 508473 (VCV000508473.10), dbSNP rs1037467164, ClinGen allele CA326984101.
Genomic context (GRCh38, chrX:18,581,882, plus strand): 5'-GATCTAACAGTGTCAATCAGGAGAACATAGAACATTTTTACTAATTTTTTTTTTATCTTG[A>G]CACTCCAGATATAAAACCAGAAAATCTCTTAATCAGCCACAATGATGTCCTAAAACTGTG-3'